The following is an entry in ClinVar:

ClinVar aggregate classification (germline): Pathogenic. Review status: criteria provided, multiple submitters, no conflicts (2 of 4 stars). 3 submissions from 3 submitters: Pathogenic (2). 1 of the submissions does not count toward it. Last evaluated 2023-08-04.

Conditions:
Early-infantile DEE. Also called: Early infantile epileptic encephalopathy with suppression bursts; Ohtahara syndrome; Early infantile epileptic encephalopathy. Identifiers: Orphanet 1934, MedGen C0393706, MONDO:0800491.
Seizures, benign familial neonatal, 1. Also called: Benign Neonatal Epilepsy 1; KCNQ2-Related Benign Familial Neonatal Epilepsy; KCNQ2-Related Self-Limited Familial Neonatal Epilepsy (SLFNE); Seizures, benign neonatal, 1. Identifiers: Orphanet 1949, MedGen C3149074, MONDO:0007365, OMIM 121200.

Submissions (3):

Labcorp Genetics (formerly Invitae), Labcorp
Classification: Pathogenic for Early-infantile DEE. Last evaluated: 2023-08-04. Review status: criteria provided, single submitter. Criteria: Invitae Variant Classification Sherloc (09022015). Collection method: clinical testing. Allele origin: germline.
Comment: For these reasons, this variant has been classified as Pathogenic. ClinVar contains an entry for this variant (Variation ID: 21776). This variant is also known as K69fsX119. This premature translational stop signal has been observed in individual(s) with benign familial neonatal seizures (PMID: 14985406). This variant is not present in population databases (gnomAD no frequency). This sequence change creates a premature translational stop signal (p.Lys69Glnfs*51) in the KCNQ2 gene. It is expected to result in an absent or disrupted protein product. Loss-of-function variants in KCNQ2 are known to be pathogenic (PMID: 14534157, 23692823, 27779742).

GeneDx
Classification: Pathogenic. Last evaluated: 2014-12-24. Review status: criteria provided, single submitter. Criteria: GeneDx Variant Classification (06012015). Collection method: clinical testing. Allele origin: germline. Affected: yes.
Comment: c.204dupC: p.Lys69GlnfsX51 (K69QfsX51) in exon 1 of the KCNQ2 gene (NM_172107.2). The normal sequence with the base that is duplicated in braces is: GCCCCC{C}AAGC.The c.204dupC mutation in the KCNQ2 gene has been reported previously in association with benign familial neonatal seizures (BFNS) (Richards et al., 2004). Of note, this study reports the mutation using alternative nomenclature (K69fsX119) due to numbering based on the long form of KCNQ2, which includes exon 10a. The duplication causes a frameshift starting with codon Lysine 69, changes this amino acid to a Glutamine residue and creates a premature Stop codon at position 51 of the new reading frame, denoted p.Lys69GlnfsX51. This mutation is predicted to cause loss of normal protein function either through protein truncation or nonsense-mediated mRNA decay. The variant is found in EPILEPSYV2-1 panel(s).

GeneReviews
No classification provided. Condition: Seizures, benign familial neonatal, 1. Review status: no classification provided. Collection method: literature only. Allele origin: germline. Affected: yes. Not counted in ClinVar's aggregate classification.
Comment: BFNE (benign familial neonatal epilepsy)

Literature cited by the submitters: PubMed 14985406 (cited by Labcorp Genetics (formerly Invitae), Labcorp and GeneReviews); PubMed 14534157 (cited by Labcorp Genetics (formerly Invitae), Labcorp); PubMed 23692823 (cited by Labcorp Genetics (formerly Invitae), Labcorp); PubMed 27779742 (cited by Labcorp Genetics (formerly Invitae), Labcorp); PubMed 25982755 (cited by GeneReviews); NCBI Bookshelf NBK32534 (cited by GeneReviews).

NM_172107.4(KCNQ2):c.204dup (p.Lys69fs)

Gene: KCNQ2 (potassium voltage-gated channel subfamily Q member 2; minus strand). Cytogenetic location: 20q13.33.
Variant type: Duplication.
Coding change: c.204dup on transcript NM_172107.4 (MANE Select); coding-DNA position 204, one base duplicated (C; older notation c.204dupC).
Protein change: p.Lys69fs; shifts the reading frame from lysine 69.
Molecular consequence: frameshift variant.
Genome position (GRCh38, 1-based): chr20:63,472,260, G duplicated on the plus strand (C on the coding strand, the reverse complement: KCNQ2 is on the minus strand); the first of 6 consecutive G bases (chr20:63,472,260-63,472,265); duplicating any one gives the same sequence. VCF-style (leftmost placement, unchanged base first): chr20-63472259-T-TG. GRCh37 (hg19) VCF-style: chr20-62103612-T-TG.
Other names: c.204dup, p.Lys69fs (NM_004518.6, NM_172106.3, NM_172108.5 and 1 more transcripts); short protein forms K69fs.
Identifiers: ClinVar variation 21776 (VCV000021776.10), dbSNP rs118192188, ClinGen allele CA315558.